The following is an entry in ClinVar:

NM_001830.4(CLCN4):c.1417A>G (p.Met473Val)

Gene: CLCN4 (chloride voltage-gated channel 4; plus strand). Cytogenetic location: Xp22.2.
Variant type: single nucleotide variant.
Coding change: c.1417A>G on transcript NM_001830.4 (MANE Select); coding-DNA position 1417, A replaced by G.
Protein change: p.Met473Val; replaces methionine 473 with valine.
Molecular consequence: missense variant.
Genome position (GRCh38, 1-based): chrX:10,212,494, A>G. VCF-style: chrX-10212494-A-G. GRCh37 (hg19) VCF-style: chrX-10180534-A-G.
Other names: c.1135A>G, p.Met379Val (NM_001256944.2); short protein forms M473V, M379V.
Identifiers: ClinVar variation 1387708 (VCV001387708.8), dbSNP rs2147182607, ClinGen allele CA412040553.
Genomic context (GRCh38, chrX:10,212,494, plus strand): 5'-CCCTCATGTTGCTTTTCTCTGTGTCTCCTCAAGATCCCGTCGGGCCTCTTCATCCCCAGC[A>G]TGGCTGTGGGCGCGATAGCGGGCAGGATGGTGGGAATTGGCGTGGAGCAGCTGGCCTACC-3'
Protein context (NP_001821.2, residues 463-483): KIPSGLFIPS[Met473Val]AVGAIAGRMV

ClinVar aggregate classification (germline): Uncertain significance (1 of 4 stars; one submission).

Submission:

Labcorp Genetics (formerly Invitae), Labcorp
Classification: Uncertain significance. Last evaluated: 2021-02-24. Review status: criteria provided, single submitter. Criteria: Invitae Variant Classification Sherloc (09022015). Collection method: clinical testing. Allele origin: germline.
Comment: This sequence change replaces methionine with valine at codon 473 of the CLCN4 protein (p.Met473Val). The methionine residue is moderately conserved and there is a small physicochemical difference between methionine and valine. This variant is not present in population databases (ExAC no frequency). This variant has not been reported in the literature in individuals with CLCN4-related conditions. Algorithms developed to predict the effect of missense changes on protein structure and function (SIFT, PolyPhen-2, Align-GVGD) all suggest that this variant is likely to be tolerated, but these predictions have not been confirmed by published functional studies and their clinical significance is uncertain. In summary, the available evidence is currently insufficient to determine the role of this variant in disease. Therefore, it has been classified as a Variant of Uncertain Significance.